The following is an entry in ClinVar:

ClinVar aggregate classification (germline): Likely benign. Review status: criteria provided, multiple submitters, no conflicts (2 of 4 stars). 2 submissions from 2 submitters: Likely benign (2). Last evaluated 2026-07-07.

Conditions:
Rhabdoid tumor predisposition syndrome 2 (RTPS2). Identifiers: Orphanet 231108, Orphanet 69077, MedGen C2750074, MONDO:0013224, OMIM 613325.

gnomAD v4.1: 6 of 1,613,634 alleles (0.00037%); highest among the groups gnomAD compares: Non-Finnish European, 0.00051%; no homozygotes.

Submissions (2):

Myriad Genetics, Inc.
Classification: Likely benign for Rhabdoid tumor predisposition syndrome 2. Last evaluated: 2026-07-07. Review status: criteria provided, single submitter. Criteria: Myriad Autosomal Dominant, Autosomal Recessive and X-Linked Classification Criteria (2023). Collection method: clinical testing. Allele origin: unknown.
Comment: This variant is considered likely benign. This variant is intronic and is not expected to impact mRNA splicing.

Labcorp Genetics (formerly Invitae), Labcorp
Classification: Likely benign for Rhabdoid tumor predisposition syndrome 2. Last evaluated: 2023-11-04. Review status: criteria provided, single submitter. Criteria: Invitae Variant Classification Sherloc (09022015). Collection method: clinical testing. Allele origin: germline.

NM_003072.5(SMARCA4):c.1944-11A>G

Gene: SMARCA4 (SWI/SNF related BAF chromatin remodeling complex subunit ATPase 4; plus strand). Cytogenetic location: 19p13.2.
Variant type: single nucleotide variant.
Coding change: c.1944-11A>G on transcript NM_003072.5 (MANE Select); 11 bases into the intron before coding-DNA position 1944, A replaced by G.
Molecular consequence: intron variant.
Genome position (GRCh38, 1-based): chr19:11,003,329, A>G. VCF-style: chr19-11003329-A-G. GRCh37 (hg19) VCF-style: chr19-11114005-A-G.
Other names: c.1944-11A>G (NM_001128844.3, NM_001128849.3, NM_001128847.4 and 5 more transcripts).
Identifiers: ClinVar variation 2054395 (VCV002054395.5), dbSNP rs775612622, ClinGen allele CA9203955.